The following is an entry in ClinVar:

ClinVar aggregate classification (germline): Uncertain significance (1 of 4 stars; one submission).

Conditions:
Propionic acidemia (PROP). Also called: GLYCINEMIA, KETOTIC; HYPERGLYCINEMIA WITH KETOACIDOSIS AND LEUKOPENIA; KETOTIC HYPERGLYCINEMIA. Identifiers: Orphanet 35, MedGen C0268579, MONDO:0011628, OMIM 606054, HP:0003571.

Submission:

Labcorp Genetics (formerly Invitae), Labcorp
Classification: Uncertain significance for Propionic acidemia. Last evaluated: 2024-10-22. Review status: criteria provided, single submitter. Criteria: Invitae Variant Classification Sherloc (09022015). Collection method: clinical testing. Allele origin: germline.
Comment: This sequence change replaces arginine, which is basic and polar, with leucine, which is neutral and non-polar, at codon 499 of the PCCB protein (p.Arg499Leu). This variant is not present in population databases (gnomAD no frequency). This variant has not been reported in the literature in individuals affected with PCCB-related conditions. ClinVar contains an entry for this variant (Variation ID: 2086300). An algorithm developed to predict the effect of missense changes on protein structure and function (PolyPhen-2) suggests that this variant is likely to be tolerated. In summary, the available evidence is currently insufficient to determine the role of this variant in disease. Therefore, it has been classified as a Variant of Uncertain Significance.

NM_000532.5(PCCB):c.1496G>T (p.Arg499Leu)

Gene: PCCB (propionyl-CoA carboxylase subunit beta; plus strand). Cytogenetic location: 3q22.3.
Variant type: single nucleotide variant.
Coding change: c.1496G>T on transcript NM_000532.5 (MANE Select); coding-DNA position 1496, G replaced by T.
Protein change: p.Arg499Leu; replaces arginine 499 with leucine.
Molecular consequence: missense variant.
Genome position (GRCh38, 1-based): chr3:136,328,855, G>T. VCF-style: chr3-136328855-G-T. GRCh37 (hg19) VCF-style: chr3-136047697-G-T.
Other names: c.1556G>T, p.Arg519Leu (NM_001178014.2); short protein forms R499L, R519L.
Identifiers: ClinVar variation 2086300 (VCV002086300.4), dbSNP rs1483114366, ClinGen allele CA354649753.